The following is an entry in ClinVar:

ClinVar aggregate classification (germline): Uncertain significance. Review status: criteria provided, multiple submitters, no conflicts (2 of 4 stars). 2 submissions from 2 submitters: Uncertain significance (2). Last evaluated 2025-08-06.

Allele frequency attached by ClinVar (database versions not stated): gnomAD exomes below 0.00001; ExAC 0.00001; gnomAD 0.00001; TOPMed 0.00001.
gnomAD v4.1: 9 of 1,612,378 alleles (0.00056%); highest among the groups gnomAD compares: Admixed American, 0.0017%; no homozygotes.

Submissions (2):

Labcorp Genetics (formerly Invitae), Labcorp
Classification: Uncertain significance. Last evaluated: 2025-08-06. Review status: criteria provided, single submitter. Criteria: Invitae Variant Classification Sherloc (09022015). Collection method: clinical testing. Allele origin: germline.
Comment: This sequence change replaces valine, which is neutral and non-polar, with methionine, which is neutral and non-polar, at codon 444 of the AP3D1 protein (p.Val444Met). This variant is present in population databases (rs775297475, gnomAD 0.007%). This variant has not been reported in the literature in individuals affected with AP3D1-related conditions. ClinVar contains an entry for this variant (Variation ID: 1899139). An algorithm developed to predict the effect of missense changes on protein structure and function (PolyPhen-2) suggests that this variant is likely to be disruptive. In summary, the available evidence is currently insufficient to determine the role of this variant in disease. Therefore, it has been classified as a Variant of Uncertain Significance.

Mayo Clinic Laboratories, Mayo Clinic
Classification: Uncertain significance. Last evaluated: 2024-03-28. Review status: criteria provided, single submitter. Criteria: ACMG Guidelines, 2015. Collection method: clinical testing. Allele origin: germline. Observed: 1 variant allele.

NM_001261826.3(AP3D1):c.1330G>A (p.Val444Met)

Gene: AP3D1 (adaptor related protein complex 3 subunit delta 1; minus strand). Cytogenetic location: 19p13.3.
Variant type: single nucleotide variant.
Coding change: c.1330G>A on transcript NM_001261826.3 (MANE Select); coding-DNA position 1330, G replaced by A.
Protein change: p.Val444Met; replaces valine 444 with methionine.
Molecular consequence: missense variant.
Genome position (GRCh38, 1-based): chr19:2,121,013, C>T on the plus strand (G>A on the coding strand, the complement: AP3D1 is on the minus strand). VCF-style: chr19-2121013-C-T. GRCh37 (hg19) VCF-style: chr19-2121012-C-T.
Other names: p.Val444Met; c.1330G>A, p.Val444Met (NM_001374799.1, NM_003938.8); short protein forms V444M.
Identifiers: ClinVar variation 1899139 (VCV001899139.6), dbSNP rs775297475, ClinGen allele CA9059344.